The following is an entry in ClinVar:

ClinVar aggregate classification (germline): Conflicting classifications of pathogenicity. Review status: criteria provided, conflicting classifications (1 of 4 stars). 2 submissions from 2 submitters: Uncertain significance (1); Benign (1). Last evaluated 2025-09-30.

Conditions:
Hereditary cancer-predisposing syndrome. Also called: Hereditary neoplastic syndrome; Tumor predisposition; Neoplastic Syndromes, Hereditary; Hereditary Cancer Syndrome. Identifiers: Orphanet 140162, MedGen C0027672, MeSH D009386, MONDO:0015356.
Fanconi anemia complementation group O. Also called: RAD51C-Related Fanconi Anemia. Identifiers: Orphanet 84, MedGen C3150653, MONDO:0013248, OMIM 613390.

Allele frequency attached by ClinVar (database versions not stated): gnomAD exomes below 0.00001.
gnomAD v4.1: 2 of 1,613,710 alleles (0.00012%); highest among the groups gnomAD compares: Non-Finnish European, 0.00017%; no homozygotes.

Submissions (2):

Ambry Genetics
Classification: Benign for Hereditary cancer-predisposing syndrome. Last evaluated: 2025-09-30. Review status: criteria provided, single submitter. Criteria: Ambry Variant Classification Scheme 2023. Collection method: clinical testing. Allele origin: germline.

Labcorp Genetics (formerly Invitae), Labcorp
Classification: Uncertain significance for Fanconi anemia complementation group O. Last evaluated: 2024-04-29. Review status: criteria provided, single submitter. Criteria: Invitae Variant Classification Sherloc (09022015). Collection method: clinical testing. Allele origin: germline.
Comment: This sequence change replaces glutamine, which is neutral and polar, with glutamic acid, which is acidic and polar, at codon 358 of the RAD51C protein (p.Gln358Glu). This variant is not present in population databases (gnomAD no frequency). This variant has not been reported in the literature in individuals affected with RAD51C-related conditions. ClinVar contains an entry for this variant (Variation ID: 962938). An algorithm developed to predict the effect of missense changes on protein structure and function (PolyPhen-2) suggests that this variant is likely to be tolerated. In summary, the available evidence is currently insufficient to determine the role of this variant in disease. Therefore, it has been classified as a Variant of Uncertain Significance.

NM_058216.3(RAD51C):c.1072C>G (p.Gln358Glu)

Gene: RAD51C (RAD51 paralog C; plus strand). Cytogenetic location: 17q22.
Variant type: single nucleotide variant.
Coding change: c.1072C>G on transcript NM_058216.3 (MANE Select); coding-DNA position 1072, C replaced by G.
Protein change: p.Gln358Glu; replaces glutamine 358 with glutamic acid.
Molecular consequence: missense variant. On other transcripts: non-coding transcript variant (1).
Genome position (GRCh38, 1-based): chr17:58,734,163, C>G. VCF-style: chr17-58734163-C-G. GRCh37 (hg19) VCF-style: chr17-56811524-C-G.
Other names: short protein forms Q358E.
Identifiers: ClinVar variation 962938 (VCV000962938.13), dbSNP rs2049563238, ClinGen allele CA400366236.
Genomic context (GRCh38, chr17:58,734,163, plus strand): 5'-TTTTTTATCTTTCAGCCTCAGGGATTTAGAGATACTGTTGTTACTTCTGCATGTTCATTG[C>G]AAACAGAAGGTTCCTTGAGCACCCGGAAACGGTCACGAGACCCAGAGGAAGAATTATAAC-3'
Protein context (NP_478123.1, residues 348-368): DTVVTSACSL[Gln358Glu]TEGSLSTRKR